The following is an entry in ClinVar:

NM_001321967.2(ATAD1):c.458G>A (p.Arg153Gln)

Gene: ATAD1 (ATPase family AAA domain containing 1; minus strand). Cytogenetic location: 10q23.31.
Variant type: single nucleotide variant.
Coding change: c.458G>A on transcript NM_001321967.2 (MANE Select); coding-DNA position 458, G replaced by A.
Protein change: p.Arg153Gln; replaces arginine 153 with glutamine.
Molecular consequence: missense variant. On other transcripts: non-coding transcript variant (1).
Genome position (GRCh38, 1-based): chr10:87,784,595, C>T on the plus strand (G>A on the coding strand, the complement: ATAD1 is on the minus strand). VCF-style: chr10-87784595-C-T. GRCh37 (hg19) VCF-style: chr10-89544352-C-T.
Other names: c.458G>A, p.Arg153Gln (NM_001321968.2, NM_032810.4); c.101G>A, p.Arg34Gln (NM_001321969.2); short protein forms R153Q, R34Q.
Identifiers: ClinVar variation 1438952 (VCV001438952.3), dbSNP rs757796330, ClinGen allele CA5590082.
Genomic context (GRCh38, chr10:87,784,595, plus strand): 5'-AATTTCTGAGATTCTCCATACCACTTATCGGTCAGTGTCGAAGGCTGAAGGTTAATAAAT[C>T]GACAGCCTGCTTCTTTGGCTGTGGCCTTGGCAATCAACGTTTTACCACAGCCTGGAGGCC-3'
Protein context (NP_001308896.1, residues 143-163): AKATAKEAGC[Arg153Gln]FINLQPSTLT

ClinVar aggregate classification (germline): Uncertain significance (1 of 4 stars; one submission).

Allele frequency attached by ClinVar (database versions not stated): TOPMed below 0.00001; gnomAD exomes 0.00006; ExAC 0.00010.
gnomAD v4.1: 39 of 1,613,426 alleles (0.0024%); highest among the groups gnomAD compares: South Asian, 0.035%; no homozygotes.

Submission:

Labcorp Genetics (formerly Invitae), Labcorp
Classification: Uncertain significance. Last evaluated: 2021-09-18. Review status: criteria provided, single submitter. Criteria: Invitae Variant Classification Sherloc (09022015). Collection method: clinical testing. Allele origin: germline.
Comment: This sequence change replaces arginine with glutamine at codon 153 of the ATAD1 protein (p.Arg153Gln). The arginine residue is highly conserved and there is a small physicochemical difference between arginine and glutamine. This variant is present in population databases (rs757796330, ExAC 0.07%). This variant has not been reported in the literature in individuals affected with ATAD1-related conditions. Algorithms developed to predict the effect of missense changes on protein structure and function are either unavailable or do not agree on the potential impact of this missense change (SIFT: "Not Available"; PolyPhen-2: "Benign"; Align-GVGD: "Not Available"). In summary, the available evidence is currently insufficient to determine the role of this variant in disease. Therefore, it has been classified as a Variant of Uncertain Significance.